The following is an entry in ClinVar:

ClinVar aggregate classification (germline): Benign/Likely benign. Review status: criteria provided, multiple submitters, no conflicts (2 of 4 stars). 3 submissions from 3 submitters: Benign (1); Likely benign (1). 1 of the submissions does not count toward it. Last evaluated 2024-05-24.

Conditions:
INTS1-related disorder. Also called: INTS1-related condition.

Allele frequency attached by ClinVar (database versions not stated): gnomAD exomes 0.00024 and 0.00053; ExAC 0.00064; 1000 Genomes Project 0.00120; ESP Exome Variant Server 0.00128; 1000 Genomes Project 30x 0.00141; gnomAD 0.00178 and 0.00193; TOPMed 0.00215.
gnomAD v4.1: 634 of 1,598,064 alleles (0.04%); highest among the groups gnomAD compares: African/African-American, 0.6%; 1 homozygote.

Submissions (10):

Women's Health and Genetics/Laboratory Corporation of America, LabCorp
Classification: Likely benign. Last evaluated: 2024-05-24. Review status: criteria provided, single submitter. Criteria: LabCorp Variant Classification Summary - May 2015. Collection method: clinical testing. Allele origin: germline.

Labcorp Genetics (formerly Invitae), Labcorp
Classification: Benign. Last evaluated: 2018-07-19. Review status: criteria provided, single submitter. Criteria: Invitae Variant Classification Sherloc (09022015). Collection method: clinical testing. Allele origin: germline.

PreventionGenetics, part of Exact Sciences
Classification: Likely benign for INTS1-related condition. Last evaluated: 2022-02-11. Review status: no assertion criteria provided. Collection method: clinical testing. Allele origin: germline. Not counted in ClinVar's aggregate classification.
Comment: This variant is classified as likely benign based on ACMG/AMP sequence variant interpretation guidelines (Richards et al. 2015 PMID: 25741868, with internal and published modifications).

Dr. Peter K. Rogan Lab, Western University
No classification provided (evidence only). Condition: Malignant tumor of urinary bladder. Review status: no classification provided. Collection method: in vitro. Allele origin: not applicable. Functional consequence: retained intron. Not counted in ClinVar's aggregate classification.

Dr. Peter K. Rogan Lab, Western University
No classification provided (evidence only). Condition: Colon adenocarcinoma. Review status: no classification provided. Collection method: in vitro. Allele origin: not applicable. Functional consequence: retained intron. Not counted in ClinVar's aggregate classification.

Dr. Peter K. Rogan Lab, Western University
No classification provided (evidence only). Condition: Uterine corpus endometrial carcinoma. Review status: no classification provided. Collection method: in vitro. Allele origin: not applicable. Functional consequence: retained intron. Not counted in ClinVar's aggregate classification.

Dr. Peter K. Rogan Lab, Western University
No classification provided (evidence only). Condition: Uterine corpus endometrial carcinoma. Review status: no classification provided. Collection method: in vitro. Allele origin: not applicable. Functional consequence: retained intron. Not counted in ClinVar's aggregate classification.

Dr. Peter K. Rogan Lab, Western University
No classification provided (evidence only). Condition: Uterine corpus endometrial carcinoma. Review status: no classification provided. Collection method: in vitro. Allele origin: not applicable. Functional consequence: retained intron. Not counted in ClinVar's aggregate classification.

Dr. Peter K. Rogan Lab, Western University
No classification provided (evidence only). Condition: Cervical cancer. Review status: no classification provided. Collection method: in vitro. Allele origin: not applicable. Functional consequence: retained intron. Not counted in ClinVar's aggregate classification.

Dr. Peter K. Rogan Lab, Western University
No classification provided (evidence only). Condition: Nonpapillary renal cell carcinoma. Review status: no classification provided. Collection method: in vitro. Allele origin: not applicable. Functional consequence: retained intron. Not counted in ClinVar's aggregate classification.

NM_001080453.3(INTS1):c.870G>A (p.Thr290=)

Gene: INTS1 (integrator complex subunit 1; minus strand). Cytogenetic location: 7p22.3.
Variant type: single nucleotide variant.
Coding change: c.870G>A on transcript NM_001080453.3 (MANE Select); coding-DNA position 870, G replaced by A.
Protein change: p.Thr290=; no amino-acid change (threonine 290 retained).
Molecular consequence: synonymous variant.
Genome position (GRCh38, 1-based): chr7:1,499,335, C>T on the plus strand (G>A on the coding strand, the complement: INTS1 is on the minus strand). VCF-style: chr7-1499335-C-T. GRCh37 (hg19) VCF-style: chr7-1538971-C-T.
Other names: NC_000007.13:g.1538971C>T.
Identifiers: ClinVar variation 734603 (VCV000734603.7), dbSNP rs201734949, ClinGen allele CA4120583.